The following is an entry in ClinVar:

NM_017534.6(MYH2):c.5617_5625del (p.Leu1873_Asp1875del)

Genes: MYH2 (myosin heavy chain 2; minus strand), MYHAS (myosin heavy chain gene cluster antisense RNA; plus strand). Cytogenetic location: 17p13.1.
Variant type: Deletion.
Coding change: c.5617_5625del on transcript NM_017534.6 (MANE Select); coding-DNA positions 5617 to 5625, 9 bases deleted (TTGGTAGAT; older notation c.5617_5625delTTGGTAGAT).
Protein change: p.Leu1873_Asp1875del.
Genome position (GRCh38, 1-based): chr17:10,523,138-10,523,146, ATCTACCAA deleted on the plus strand (TTGGTAGAT on the coding strand, the reverse complement: MYH2 is on the minus strand); deleting any 9 consecutive bases within chr17:10,523,138-10,523,150 gives the same sequence; the c. name uses the placement nearest the transcript's 3' end. VCF-style (leftmost placement, unchanged base first): chr17-10523137-TATCTACCAA-T. GRCh37 (hg19) VCF-style: chr17-10426454-TATCTACCAA-T.
Other names: c.5617_5625del, p.Leu1873_Asp1875del (NM_001100112.2).
Identifiers: ClinVar variation 3652207 (VCV003652207.2).

ClinVar aggregate classification (germline): Uncertain significance (1 of 4 stars; one submission).

Conditions:
Myopathy, proximal, and ophthalmoplegia (CMYO6). Also called: CONGENITAL MYOPATHY 6 WITH OPHTHALMOPLEGIA; MYOPATHY WITH CONGENITAL JOINT CONTRACTURES, OPHTHALMOPLEGIA, AND RIMMED VACUOLES; INCLUSION BODY MYOPATHY 3, AUTOSOMAL DOMINANT. Identifiers: Orphanet 363677, Orphanet 79091, MedGen C1854106, MONDO:0011577, OMIM 605637.

Submission:

Labcorp Genetics (formerly Invitae), Labcorp
Classification: Uncertain significance for Myopathy, proximal, and ophthalmoplegia. Last evaluated: 2024-05-13. Review status: criteria provided, single submitter. Criteria: Invitae Variant Classification Sherloc (09022015). Collection method: clinical testing. Allele origin: germline.
Comment: This variant, c.5617_5625del, results in the deletion of 3 amino acid(s) of the MYH2 protein (p.Leu1873_Asp1875del), but otherwise preserves the integrity of the reading frame. This variant is not present in population databases (gnomAD no frequency). This variant has not been reported in the literature in individuals affected with MYH2-related conditions. Experimental studies and prediction algorithms are not available or were not evaluated, and the functional significance of this variant is currently unknown. In summary, the available evidence is currently insufficient to determine the role of this variant in disease. Therefore, it has been classified as a Variant of Uncertain Significance.